The following is an entry in ClinVar:

NM_000256.3(MYBPC3):c.3781G>C (p.Glu1261Gln)

Gene: MYBPC3 (myosin binding protein C3; minus strand). Cytogenetic location: 11p11.2.
Variant type: single nucleotide variant.
Coding change: c.3781G>C on transcript NM_000256.3 (MANE Select); coding-DNA position 3781, G replaced by C.
Protein change: p.Glu1261Gln; replaces glutamic acid 1261 with glutamine.
Molecular consequence: missense variant.
Genome position (GRCh38, 1-based): chr11:47,332,105, C>G on the plus strand (G>C on the coding strand, the complement: MYBPC3 is on the minus strand). VCF-style: chr11-47332105-C-G. GRCh37 (hg19) VCF-style: chr11-47353656-C-G.
Other names: short protein forms E1261Q.
Identifiers: ClinVar variation 2625335 (VCV002625335.3), dbSNP rs730880141, ClinGen allele CA380310565.

ClinVar aggregate classification (germline): Uncertain significance. Review status: criteria provided, multiple submitters, no conflicts (2 of 4 stars). 2 submissions from 2 submitters: Uncertain significance (2). Last evaluated 2024-07-29.

Conditions:
Cardiovascular phenotype. Identifiers: MedGen CN230736.
Hypertrophic cardiomyopathy. Also called: HYPERTROPHIC MYOCARDIOPATHY. Identifiers: Orphanet 217569, MedGen C0007194, MeSH D002312, MONDO:0005045, HP:0001639.

gnomAD v4.1: 17 of 1,613,258 alleles (0.0011%); highest among the groups gnomAD compares: Non-Finnish European, 0.0014%; no homozygotes.

Submissions (2):

All of Us Research Program, National Institutes of Health
Classification: Uncertain significance for Hypertrophic cardiomyopathy. Last evaluated: 2024-07-29. Review status: criteria provided, single submitter. Criteria: ACMG Guidelines, 2015. Collection method: clinical testing. Allele origin: germline. Inheritance: Autosomal dominant inheritance. Observed: 1 variant allele, 1 heterozygote.
Comment: This missense variant replaces glutamic acid with glutamine at codon 1261 of the MYBPC3 protein. Computational prediction tools indicate that this variant has a neutral impact on protein structure and function. To our knowledge, functional studies have not been reported for this variant. This variant has not been reported in individuals affected with MYBPC3-related disorders in the literature. This variant has not been identified in the general population by the Genome Aggregation Database (gnomAD). The available evidence is insufficient to determine the role of this variant in disease conclusively. Therefore, this variant is classified as a Variant of Uncertain Significance.

This study involves interpretation of variants in research participants for the purpose of population health screening. Participant phenotype was not available at the time of variant classification. Additional details can be found in publication PMID: 35346344, PMCID: PMC8962531

Ambry Genetics
Classification: Uncertain significance for Cardiovascular phenotype. Last evaluated: 2023-08-02. Review status: criteria provided, single submitter. Criteria: Ambry Variant Classification Scheme 2023. Collection method: clinical testing. Allele origin: germline.
Comment: The p.E1261Q variant (also known as c.3781G>C), located in coding exon 33 of the MYBPC3 gene, results from a G to C substitution at nucleotide position 3781. The glutamic acid at codon 1261 is replaced by glutamine, an amino acid with highly similar properties. This amino acid position is conserved. In addition, the in silico prediction for this alteration is inconclusive. Since supporting evidence is limited at this time, the clinical significance of this alteration remains unclear.